The following is an entry in ClinVar:

NM_001352754.2(ARMC9):c.1718-1G>A

Gene: ARMC9 (armadillo repeat containing 9; plus strand). Cytogenetic location: 2q37.1.
Variant type: single nucleotide variant.
Coding change: c.1718-1G>A on transcript NM_001352754.2 (MANE Select); the canonical splice acceptor site of the intron before coding-DNA position 1718, G replaced by A.
Molecular consequence: splice acceptor variant.
Genome position (GRCh38, 1-based): chr2:231,296,197, G>A. VCF-style: chr2-231296197-G-A. GRCh37 (hg19) VCF-style: chr2-232160910-G-A.
Other names: c.1718-1G>A (NM_001271466.4, NM_001352755.2, NM_001352756.2 and 3 more transcripts); c.1619-1G>A (NM_001352757.2, NM_001352758.2).
Identifiers: ClinVar variation 2975929 (VCV002975929.3), dbSNP rs756655815, ClinGen allele CA2160463.

ClinVar aggregate classification (germline): Likely pathogenic (1 of 4 stars; one submission).

Allele frequency attached by ClinVar (database versions not stated): ExAC 0.00001; gnomAD exomes 0.00001.
gnomAD v4.1: 3 of 1,609,656 alleles (0.00019%); highest among the groups gnomAD compares: Non-Finnish European, 0.00025%; no homozygotes.

Submission:

Labcorp Genetics (formerly Invitae), Labcorp
Classification: Likely pathogenic. Last evaluated: 2022-10-23. Review status: criteria provided, single submitter. Criteria: Invitae Variant Classification Sherloc (09022015). Collection method: clinical testing. Allele origin: germline.
Comment: In summary, the currently available evidence indicates that the variant is pathogenic, but additional data are needed to prove that conclusively. Therefore, this variant has been classified as Likely Pathogenic. This sequence change affects an acceptor splice site in intron 17 of the ARMC9 gene. It is expected to disrupt RNA splicing. Variants that disrupt the donor or acceptor splice site typically lead to a loss of protein function (PMID: 16199547), and loss-of-function variants in ARMC9 are known to be pathogenic (PMID: 28625504). This variant is present in population databases (rs756655815, gnomAD 0.002%). This variant has not been reported in the literature in individuals affected with ARMC9-related conditions. Algorithms developed to predict the effect of sequence changes on RNA splicing suggest that this variant may disrupt the consensus splice site.

Literature cited by the submitters: PubMed 16199547; PubMed 28625504.